The following is an entry in ClinVar:

ClinVar aggregate classification (germline): Benign/Likely benign. Review status: criteria provided, multiple submitters, no conflicts (2 of 4 stars). 3 submissions from 3 submitters: Benign (1); Likely benign (2). Last evaluated 2025-02-24.

Conditions:
Hereditary cancer-predisposing syndrome. Also called: Neoplastic Syndromes, Hereditary; Tumor predisposition; Hereditary Cancer Syndrome; Hereditary neoplastic syndrome. Identifiers: Orphanet 140162, MedGen C0027672, MeSH D009386, MONDO:0015356.
Breast-ovarian cancer, familial, susceptibility to, 4. Identifiers: Orphanet 145, MedGen C3280345, MONDO:0013669, OMIM 614291.

Submissions (3):

Myriad Genetics, Inc.
Classification: Benign for Breast-ovarian cancer, familial, susceptibility to, 4. Last evaluated: 2025-02-24. Review status: criteria provided, single submitter. Criteria: Myriad Autosomal Dominant, Autosomal Recessive and X-Linked Classification Criteria (2023). Collection method: clinical testing. Allele origin: unknown.
Comment: This variant is considered benign. This variant is a silent/synonymous amino acid change and it is not expected to impact splicing.

Labcorp Genetics (formerly Invitae), Labcorp
Classification: Likely benign for Breast-ovarian cancer, familial, susceptibility to, 4. Last evaluated: 2024-11-04. Review status: criteria provided, single submitter. Criteria: Invitae Variant Classification Sherloc (09022015). Collection method: clinical testing. Allele origin: germline.

Ambry Genetics
Classification: Likely benign for Hereditary cancer-predisposing syndrome. Last evaluated: 2017-04-17. Review status: criteria provided, single submitter. Criteria: Ambry Variant Classification Scheme 2023. Collection method: clinical testing. Allele origin: germline.

NM_002878.4(RAD51D):c.507G>A (p.Val169=)

Genes: RAD51D (RAD51 paralog D; minus strand), RAD51L3-RFFL (RAD51L3-RFFL readthrough; minus strand). Cytogenetic location: 17q12.
Variant type: single nucleotide variant.
Coding change: c.507G>A on transcript NM_002878.4 (MANE Select); coding-DNA position 507, G replaced by A.
Protein change: p.Val169=; no amino-acid change (valine 169 retained).
Molecular consequence: synonymous variant. On other transcripts: non-coding transcript variant (3).
Genome position (GRCh38, 1-based): chr17:35,106,455, C>T on the plus strand (G>A on the coding strand, the complement: RAD51D is on the minus strand). VCF-style: chr17-35106455-C-T. GRCh37 (hg19) VCF-style: chr17-33433474-C-T.
Other names: c.567G>A, p.Val189= (NM_001142571.2); c.171G>A, p.Val57= (NM_133629.3).
Identifiers: ClinVar variation 484781 (VCV000484781.13), dbSNP rs1555568162, ClinGen allele CA499731603.